The following is an entry in ClinVar:

NM_001330724.2(CDKL2):c.223C>T (p.Arg75Ter)

Gene: CDKL2 (cyclin dependent kinase like 2; minus strand). Cytogenetic location: 4q21.1.
Variant type: single nucleotide variant.
Coding change: c.223C>T on transcript NM_001330724.2 (MANE Select); coding-DNA position 223, C replaced by T.
Protein change: p.Arg75Ter; replaces arginine 75 with a stop codon.
Molecular consequence: nonsense.
Genome position (GRCh38, 1-based): chr4:75,614,395, G>A on the plus strand (C>T on the coding strand, the complement: CDKL2 is on the minus strand). VCF-style: chr4-75614395-G-A. GRCh37 (hg19) VCF-style: chr4-76539579-G-A.
Other names: c.223C>T, p.Arg75Ter (NM_003948.5); short protein forms R75*.
Identifiers: ClinVar variation 5002785 (VCV005002785.1).

ClinVar aggregate classification (germline): Uncertain significance (1 of 4 stars; one submission).

gnomAD v4.1: 14 of 1,567,676 alleles (0.00089%); highest among the groups gnomAD compares: South Asian, 0.0058%; 1 homozygote.

Submission:

OLLIN Analises Genomicas, OLLIN
Classification: Uncertain significance. Last evaluated: 2026-08-06. Review status: criteria provided, single submitter. Criteria: ACMG Guidelines 2015 PMID 25741868. Collection method: clinical testing. Allele origin: germline.
Comment: This nonsense variant, located in exon 3 (of 14), has been observed in gnomAD with an allele frequency of 0.00089%, but has not been reported in ClinVar or identified in the literature. This variant introduces a premature stop codon, which is predicted to result in either a truncated protein or degradation of the mRNA via nonsense-mediated decay (NMD). According to the currently available evidence, this variant has been classified as uncertain significance (BS2).